The following is an entry in ClinVar:

ClinVar aggregate classification (germline): Pathogenic (1 of 4 stars; one submission).

Conditions:
Hereditary cancer-predisposing syndrome. Also called: Hereditary Cancer Syndrome; Neoplastic Syndromes, Hereditary; Hereditary neoplastic syndrome; Tumor predisposition. Identifiers: Orphanet 140162, MedGen C0027672, MeSH D009386, MONDO:0015356.

Submission:

Ambry Genetics
Classification: Pathogenic for Hereditary cancer-predisposing syndrome. Last evaluated: 2014-11-06. Review status: criteria provided, single submitter. Criteria: Ambry Variant Classification Scheme 2023. Collection method: clinical testing. Allele origin: germline.
Comment: The c.723dupA pathogenic mutation, located in coding exon 6 of the APC gene, results from a duplication of A at nucleotide position 723, causing a translational frameshift with a predicted alternate stop codon. Since frameshifts are typically deleterious in nature, this alteration is interpreted as a disease-causing mutation (ACMG Recommendations for Standards for Interpretation and Reporting of Sequence Variations. Revision 2007. Genet Med. 2008;10:294).

NM_000038.6(APC):c.723dup (p.Ala242fs)

Gene: APC (APC regulator of Wnt signaling pathway; plus strand). Cytogenetic location: 5q22.2.
Variant type: Duplication.
Coding change: c.723dup on transcript NM_000038.6 (MANE Select); coding-DNA position 723, one base duplicated (A; older notation c.723dupA).
Protein change: p.Ala242fs; shifts the reading frame from alanine 242.
Molecular consequence: frameshift variant. On other transcripts: 5 prime UTR variant (1), intron variant (2).
Genome position (GRCh38, 1-based): chr5:112,792,523, A duplicated; the last of 2 consecutive A bases (chr5:112,792,522-112,792,523); duplicating either gives the same sequence. VCF-style (leftmost placement, unchanged base first): chr5-112792521-G-GA. GRCh37 (hg19) VCF-style: chr5-112128218-G-GA.
Other names: c.723dup, p.Ala242fs (NM_001127510.3, NM_001354895.2, NM_001354896.2 and 1 more transcripts); c.753dup, p.Ala252fs (NM_001354897.2, NM_001354902.2); c.648dup, p.Ala217fs (NM_001354898.2, NM_001354904.2); c.546dup, p.Ala183fs (NM_001354900.2, NM_001354901.2, NM_001354905.2); c.-313dup (NM_001354906.2); c.676-8756dup (NM_001127511.3); c.646-8756dup (NM_001354899.2); c.723dupA (NM_000038.5); short protein forms A217fs, A252fs, A183fs, A242fs.
Identifiers: ClinVar variation 428119 (VCV000428119.5), dbSNP rs1114167565, ClinGen allele CA645369317.